The following is an entry in ClinVar:

ClinVar aggregate classification (germline): Conflicting classifications of pathogenicity. Review status: criteria provided, conflicting classifications (1 of 4 stars). 2 submissions from 2 submitters: Uncertain significance (1); Likely benign (1). Last evaluated 2024-10-30.

Conditions:
Neuronal ceroid lipofuscinosis. Also called: Neuronal Ceroid Lipofuscinoses. Identifiers: Orphanet 216, Orphanet 79263, MedGen C0027877, MONDO:0016295. Disease mechanism: loss of function.

Allele frequency attached by ClinVar (database versions not stated): gnomAD exomes 0.00001.
gnomAD v4.1: 3 of 1,610,800 alleles (0.00019%); highest among the groups gnomAD compares: Non-Finnish European, 0.00025%; no homozygotes.

Submissions (2):

Labcorp Genetics (formerly Invitae), Labcorp
Classification: Likely benign for Neuronal ceroid lipofuscinosis. Last evaluated: 2024-10-30. Review status: criteria provided, single submitter. Criteria: Invitae Variant Classification Sherloc (09022015). Collection method: clinical testing. Allele origin: germline.

GeneDx
Classification: Uncertain significance. Last evaluated: 2017-10-19. Review status: criteria provided, single submitter. Criteria: GeneDx Variant Classification (06012015). Collection method: clinical testing. Allele origin: germline. Affected: yes.
Comment: The c.924 G>A variant has not been published as a pathogenic variant, nor has it been reported as a benign variant to our knowledge. This variant is not observed in large population cohorts (Lek et al., 2016). Severalin-silico splice prediction models predict that c.924 G>A may increase the strength of a cryptic splice donor site or create a new cryptic splice donor site in exon 7, which may supplant the natural donor site and lead to abnormal gene splicing. However, in the absence of RNA/functional studies, the actual effect of this sequence change in this individual is unknown. Therefore, based on the currently available information, it is unclear whether this variant is a pathogenic variant or a rare benign variant.

NM_001909.5(CTSD):c.924G>A (p.Val308=)

Gene: CTSD (cathepsin D; minus strand). Cytogenetic location: 11p15.5.
Variant type: single nucleotide variant.
Coding change: c.924G>A on transcript NM_001909.5 (MANE Select); coding-DNA position 924, G replaced by A.
Protein change: p.Val308=; no amino-acid change (valine 308 retained).
Molecular consequence: synonymous variant.
Genome position (GRCh38, 1-based): chr11:1,754,042, C>T on the plus strand (G>A on the coding strand, the complement: CTSD is on the minus strand). VCF-style: chr11-1754042-C-T. GRCh37 (hg19) VCF-style: chr11-1775272-C-T.
Identifiers: ClinVar variation 452877 (VCV000452877.9), dbSNP rs1554962286, ClinGen allele CA472140894.